The following is an entry in ClinVar:

NM_001297.5(CNGB1):c.2634+6G>C

Gene: CNGB1 (cyclic nucleotide gated channel subunit beta 1; minus strand). Cytogenetic location: 16q21.
Variant type: single nucleotide variant.
Coding change: c.2634+6G>C on transcript NM_001297.5 (MANE Select); 6 bases into the intron after coding-DNA position 2634, G replaced by C.
Molecular consequence: intron variant.
Genome position (GRCh38, 1-based): chr16:57,904,728, C>G on the plus strand (G>C on the coding strand, the complement: CNGB1 is on the minus strand). VCF-style: chr16-57904728-C-G. GRCh37 (hg19) VCF-style: chr16-57938632-C-G.
Other names: c.2616+6G>C (NM_001286130.2).
Identifiers: ClinVar variation 1377354 (VCV001377354.7), dbSNP rs374018113, ClinGen allele CA8082908.

ClinVar aggregate classification (germline): Conflicting classifications of pathogenicity. Review status: criteria provided, conflicting classifications (1 of 4 stars). 2 submissions from 2 submitters: Uncertain significance (1); Likely benign (1). Last evaluated 2024-11-12.

gnomAD v4.1: 31 of 1,613,994 alleles (0.0019%); highest among the groups gnomAD compares: African/African-American, 0.004%; no homozygotes.

Submissions (2):

Labcorp Genetics (formerly Invitae), Labcorp
Classification: Uncertain significance. Last evaluated: 2024-11-12. Review status: criteria provided, single submitter. Criteria: Invitae Variant Classification Sherloc (09022015). Collection method: clinical testing. Allele origin: germline.
Comment: This sequence change falls in intron 26 of the CNGB1 gene. It does not directly change the encoded amino acid sequence of the CNGB1 protein. It affects a nucleotide within the consensus splice site. This variant is present in population databases (rs374018113, gnomAD 0.003%). This variant has not been reported in the literature in individuals affected with CNGB1-related conditions. ClinVar contains an entry for this variant (Variation ID: 1377354). Variants that disrupt the consensus splice site are a relatively common cause of aberrant splicing (PMID: 17576681, 9536098). Algorithms developed to predict the effect of sequence changes on RNA splicing suggest that this variant is not likely to affect RNA splicing. In summary, the available evidence is currently insufficient to determine the role of this variant in disease. Therefore, it has been classified as a Variant of Uncertain Significance.

Blueprint Genetics
Classification: Likely benign. Last evaluated: 2024-09-23. Review status: criteria provided, single submitter. Criteria: ACMG Guidelines, 2015. Collection method: clinical testing. Allele origin: germline.

Literature cited by the submitters: PubMed 17576681 (cited by Labcorp Genetics (formerly Invitae), Labcorp); PubMed 9536098 (cited by Labcorp Genetics (formerly Invitae), Labcorp).